The following is an entry in ClinVar:

ClinVar aggregate classification (germline): Conflicting classifications of pathogenicity. Review status: criteria provided, conflicting classifications (1 of 4 stars). 3 submissions from 3 submitters: Uncertain significance (1); Likely benign (2). Last evaluated 2025-10-26.

Conditions:
Myofibrillar myopathy 4. Also called: Zaspopathy (type). Identifiers: Orphanet 98912, MedGen C4721886, MONDO:0012277, OMIM 609452.
Cardiovascular phenotype. Identifiers: MedGen CN230736.

Allele frequency attached by ClinVar (database versions not stated): gnomAD exomes below 0.00001; gnomAD 0.00001.
gnomAD v4.1: 6 of 1,608,240 alleles (0.00037%); highest among the groups gnomAD compares: East Asian, 0.0022%; no homozygotes.

Submissions (3):

Labcorp Genetics (formerly Invitae), Labcorp
Classification: Uncertain significance for Myofibrillar myopathy 4. Last evaluated: 2025-10-26. Review status: criteria provided, single submitter. Criteria: Invitae Variant Classification Sherloc (09022015). Collection method: clinical testing. Allele origin: germline.
Comment: The LDB3 gene has multiple clinically relevant transcripts. This variant occurs in alternate transcript NM_007078.3, and corresponds to NM_001080116.1:c.*17389T>C in the primary transcript. This sequence change affects codon 556 of the LDB3 mRNA. It is a 'silent' change, meaning that it does not change the encoded amino acid sequence of the LDB3 protein. This variant is not present in population databases (gnomAD no frequency). This variant has not been reported in the literature in individuals affected with LDB3-related conditions. Experimental studies and prediction algorithms are not available or were not evaluated, and the effect of this variant on mRNA splicing is currently unknown. In summary, the available evidence is currently insufficient to determine the role of this variant in disease. Therefore, it has been classified as a Variant of Uncertain Significance.

Ambry Genetics
Classification: Likely benign for Cardiovascular phenotype. Last evaluated: 2020-04-13. Review status: criteria provided, single submitter. Criteria: Ambry Variant Classification Scheme 2023. Collection method: clinical testing. Allele origin: germline.

GeneDx
Classification: Likely benign. Last evaluated: 2016-09-01. Review status: criteria provided, single submitter. Criteria: GeneDx Variant Classification (06012015). Collection method: clinical testing. Allele origin: germline. Affected: yes.
Comment: This variant is considered likely benign or benign based on one or more of the following criteria: it is a conservative change, it occurs at a poorly conserved position in the protein, it is predicted to be benign by multiple in silico algorithms, and/or has population frequency not consistent with disease.

NM_007078.3(LDB3):c.1668T>C (p.Asn556=)

Gene: LDB3 (LIM domain binding 3; plus strand). Cytogenetic location: 10q23.2.
Variant type: single nucleotide variant.
Coding change: c.1668T>C on transcript NM_007078.3 (MANE Select); coding-DNA position 1668, T replaced by C.
Protein change: p.Asn556=; no amino-acid change (asparagine 556 retained).
Molecular consequence: synonymous variant.
Genome position (GRCh38, 1-based): chr10:86,716,763, T>C. VCF-style: chr10-86716763-T-C. GRCh37 (hg19) VCF-style: chr10-88476520-T-C.
Other names: c.1338T>C, p.Asn446= (NM_001080114.2); c.1683T>C, p.Asn561= (NM_001171610.2); c.1479T>C, p.Asn493= (NM_001368064.1, NM_001368065.1); c.1527T>C, p.Asn509= (NM_001368066.1); c.1668T>C (LRG_385t1).
Identifiers: ClinVar variation 388924 (VCV000388924.4), dbSNP rs916700413, ClinGen allele CA16605952.